The following is an entry in ClinVar:

NM_001905.4(CTPS1):c.1502G>C (p.Gly501Ala)

Gene: CTPS1 (CTP synthase 1; plus strand). Cytogenetic location: 1p34.2.
Variant type: single nucleotide variant.
Coding change: c.1502G>C on transcript NM_001905.4 (MANE Select); coding-DNA position 1502, G replaced by C.
Protein change: p.Gly501Ala; replaces glycine 501 with alanine.
Molecular consequence: missense variant. On other transcripts: non-coding transcript variant (1).
Genome position (GRCh38, 1-based): chr1:41,008,846, G>C. VCF-style: chr1-41008846-G-C. GRCh37 (hg19) VCF-style: chr1-41474518-G-C.
Other names: c.1034G>C, p.Gly345Ala (NM_001301237.2); short protein forms G501A, G345A.
Identifiers: ClinVar variation 1925945 (VCV001925945.4), dbSNP rs2524359520, ClinGen allele CA339906346.

ClinVar aggregate classification (germline): Uncertain significance (1 of 4 stars; one submission).

Conditions:
Combined immunodeficiency due to CTPS1 deficiency. Also called: Severe combined immunodeficiency due to CTPS1 deficiency; Immunodeficiency 24. Identifiers: Orphanet 420573, MedGen C4014617, MONDO:0014391, OMIM 615897.

gnomAD v4.1: 1 of 1,614,192 alleles (0.000062%); highest among the groups gnomAD compares: Non-Finnish European, 0.000085%; no homozygotes.

Submission:

Labcorp Genetics (formerly Invitae), Labcorp
Classification: Uncertain significance for Combined immunodeficiency due to CTPS1 deficiency. Last evaluated: 2024-04-17. Review status: criteria provided, single submitter. Criteria: Invitae Variant Classification Sherloc (09022015). Collection method: clinical testing. Allele origin: germline.
Comment: This sequence change replaces glycine, which is neutral and non-polar, with alanine, which is neutral and non-polar, at codon 501 of the CTPS1 protein (p.Gly501Ala). This variant is not present in population databases (gnomAD no frequency). This variant has not been reported in the literature in individuals affected with CTPS1-related conditions. ClinVar contains an entry for this variant (Variation ID: 1925945). An algorithm developed to predict the effect of missense changes on protein structure and function (PolyPhen-2) suggests that this variant is likely to be disruptive. In summary, the available evidence is currently insufficient to determine the role of this variant in disease. Therefore, it has been classified as a Variant of Uncertain Significance.